The following is an entry in ClinVar:

ClinVar aggregate classification (germline): Uncertain significance (1 of 4 stars; one submission).

Conditions:
PLXNA1-related disorder. Also called: PLXNA1-related condition.

Submission:

PreventionGenetics, part of Exact Sciences
Classification: Uncertain significance for PLXNA1-related condition. Last evaluated: 2026-06-05. Review status: criteria provided, single submitter. Criteria: ACMG Guidelines, 2015. Collection method: clinical testing. Allele origin: germline.
Comment: The PLXNA1 c.4028_4031delinsTCC variant is predicted to result in a frameshift and premature protein termination (p.Lys1343Ilefs*13). To our knowledge, this variant has not been reported in the literature or in a large population database (gnomAD), indicating this variant is rare. Loss of function is not an established mechanism of PLXNA1-related disease. Although we suspect that this variant may be pathogenic, at this time, the clinical significance of this variant is uncertain due to the absence of conclusive functional and genetic evidence.

NM_032242.4(PLXNA1):c.4028_4031delinsTCC (p.Lys1343fs)

Gene: PLXNA1 (plexin A1; plus strand). Cytogenetic location: 3q21.3.
Variant type: Indel.
Coding change: c.4028_4031delinsTCC on transcript NM_032242.4 (MANE Select); coding-DNA positions 4028 to 4031, AGGA replaced by TCC.
Protein change: p.Lys1343fs; shifts the reading frame from lysine 1343.
Molecular consequence: frameshift variant.
Genome position (GRCh38, 1-based): chr3:127,020,334-127,020,337, AGGA replaced by TCC. VCF-style: chr3-127020334-AGGA-TCC. GRCh37 (hg19) VCF-style: chr3-126739177-AGGA-TCC.
Other names: short protein forms K1343fs.
Identifiers: ClinVar variation 4994087 (VCV004994087.1).